The following is an entry in ClinVar:

NM_000138.5(FBN1):c.6656T>C (p.Phe2219Ser)

Gene: FBN1 (fibrillin 1; minus strand). Cytogenetic location: 15q21.1.
Variant type: single nucleotide variant.
Coding change: c.6656T>C on transcript NM_000138.5 (MANE Select); coding-DNA position 6656, T replaced by C.
Protein change: p.Phe2219Ser; replaces phenylalanine 2219 with serine.
Molecular consequence: missense variant.
Genome position (GRCh38, 1-based): chr15:48,432,949, A>G on the plus strand (T>C on the coding strand, the complement: FBN1 is on the minus strand). VCF-style: chr15-48432949-A-G. GRCh37 (hg19) VCF-style: chr15-48725146-A-G.
Other names: short protein forms F2219S.
Identifiers: ClinVar variation 42406 (VCV000042406.5), dbSNP rs397515837, ClinGen allele CA016608.

ClinVar aggregate classification (germline): Uncertain significance (1 of 4 stars; one submission).

Allele frequency attached by ClinVar (database versions not stated): gnomAD exomes below 0.00001.
gnomAD v4.1: 1 of 1,613,676 alleles (0.000062%); highest among the groups gnomAD compares: Non-Finnish European, 0.000085%; no homozygotes.

Submission:

Laboratory for Molecular Medicine, Mass General Brigham Personalized Medicine
Classification: Uncertain significance. Last evaluated: 2023-03-06. Review status: criteria provided, single submitter. Criteria: ACMG Guidelines, 2015. Collection method: clinical testing. Allele origin: germline.
Comment: It was absent from large population studies. Computational prediction tools and conservation analyses suggest that this variant may impact the protein, though this information is not predictive enough to determine pathogenicity. In summary, while there is some suspicion for a pathogenic role, the clinical significance of this variant is uncertain. ACMG/AMP Criteria applied: PM2_Supporting, PP1, PP3.